The following is an entry in ClinVar:

NM_207122.2(EXT2):c.843A>G (p.Leu281=)

Gene: EXT2 (exostosin glycosyltransferase 2; plus strand). Cytogenetic location: 11p11.2.
Variant type: single nucleotide variant.
Coding change: c.843A>G on transcript NM_207122.2 (MANE Select); coding-DNA position 843, A replaced by G.
Protein change: p.Leu281=; no amino-acid change (leucine 281 retained).
Molecular consequence: synonymous variant.
Genome position (GRCh38, 1-based): chr11:44,124,888, A>G. VCF-style: chr11-44124888-A-G. GRCh37 (hg19) VCF-style: chr11-44146438-A-G.
Other names: c.942A>G, p.Leu314= (NM_000401.3); c.843A>G, p.Leu281= (NM_001178083.3, NM_001389628.1, NM_001389630.1).
Identifiers: ClinVar variation 1423714 (VCV001423714.16), dbSNP rs111320923, ClinGen allele CA5955016.

ClinVar aggregate classification (germline): Likely benign. Review status: criteria provided, multiple submitters, no conflicts (2 of 4 stars). 3 submissions from 3 submitters: Likely benign (3). Last evaluated 2025-12-03.

Conditions:
Exostoses, multiple, type 2 (EXT2). Also called: EXOSTOSES, MULTIPLE, TYPE II; Hereditary Multiple Osteochondromatosis, Type II. Identifiers: Orphanet 321, MedGen C1851413, MONDO:0007586, OMIM 133701.

Allele frequency attached by ClinVar (database versions not stated): gnomAD exomes 0.00005 and 0.00008; ESP Exome Variant Server 0.00008; ExAC 0.00010; 1000 Genomes Project 30x 0.00016; 1000 Genomes Project 0.00020; gnomAD 0.00025 and 0.00027; TOPMed 0.00032.
gnomAD v4.1: 120 of 1,614,120 alleles (0.0074%); highest among the groups gnomAD compares: African/African-American, 0.11%; no homozygotes.

Submissions (3):

Labcorp Genetics (formerly Invitae), Labcorp
Classification: Likely benign for Exostoses, multiple, type 2. Last evaluated: 2025-12-03. Review status: criteria provided, single submitter. Criteria: Invitae Variant Classification Sherloc (09022015). Collection method: clinical testing. Allele origin: germline.

CeGaT Center for Human Genetics Tuebingen
Classification: Likely benign. Last evaluated: 2025-09-01. Review status: criteria provided, single submitter. Criteria: CeGaT Center For Human Genetics Tuebingen Variant Classification Criteria Version 2. Collection method: clinical testing. Allele origin: germline. Affected: yes. Observed: 1 variant allele.
Comment: EXT2: BP4, BP7

Blueprint Genetics
Classification: Likely benign. Last evaluated: 2024-10-17. Review status: criteria provided, single submitter. Criteria: ACMG Guidelines, 2015. Collection method: clinical testing. Allele origin: germline.